The following is an entry in ClinVar:

ClinVar aggregate classification (germline): Likely benign. Review status: criteria provided, single submitter (1 of 4 stars). 2 submissions from 2 submitters: Likely benign (1). 1 of the submissions does not count toward it. Last evaluated 2025-11-03.

Conditions:
Combined malonic and methylmalonic acidemia. Identifiers: Orphanet 289504, MedGen C3280314, MONDO:0013661, OMIM 614265.
ACSF3-related disorder. Also called: ACSF3-related condition.

Allele frequency attached by ClinVar (database versions not stated): gnomAD exomes below 0.00001; gnomAD 0.00001; TOPMed 0.00001.

Submissions (2):

Labcorp Genetics (formerly Invitae), Labcorp
Classification: Likely benign for Combined malonic and methylmalonic acidemia. Last evaluated: 2025-11-03. Review status: criteria provided, single submitter. Criteria: Invitae Variant Classification Sherloc (09022015). Collection method: clinical testing. Allele origin: germline.

PreventionGenetics, part of Exact Sciences
Classification: Likely benign for ACSF3-related condition. Last evaluated: 2019-07-08. Review status: no assertion criteria provided. Collection method: clinical testing. Allele origin: germline. Not counted in ClinVar's aggregate classification.
Comment: This variant is classified as likely benign based on ACMG/AMP sequence variant interpretation guidelines (Richards et al. 2015 PMID: 25741868, with internal and published modifications).

NM_001243279.3(ACSF3):c.1098G>A (p.Gly366=)

Genes: ACSF3 (acyl-CoA synthetase family member 3; plus strand), LOC125177393 (P300/CBP strongly-dependent group 1 enhancer GRCh37_chr16:89180375-89181574; plus strand). Cytogenetic location: 16q24.3.
Variant type: single nucleotide variant.
Coding change: c.1098G>A on transcript NM_001243279.3 (MANE Select); coding-DNA position 1098, G replaced by A.
Protein change: p.Gly366=; no amino-acid change (glycine 366 retained).
Molecular consequence: synonymous variant. On other transcripts: non-coding transcript variant (2).
Genome position (GRCh38, 1-based): chr16:89,114,459, G>A. VCF-style: chr16-89114459-G-A. GRCh37 (hg19) VCF-style: chr16-89180867-G-A.
Other names: c.1098G>A, p.Gly366= (NM_001127214.4, NM_174917.5); c.303G>A, p.Gly101= (NM_001284316.2); c.1098G>A (NM_174917.4).
Identifiers: ClinVar variation 1594265 (VCV001594265.10), dbSNP rs967555706, ClinGen allele CA286469904.
Genomic context (GRCh38, chr16:89,114,459, plus strand): 5'-CACGGGCCACACCCTGCTGGAGCGGTATGGCATGACCGAGATCGGCATGGCTCTGTCCGG[G>A]CCCCTGACCACTGCCGTGCGCCTGCCAGGTACGAGCACTTCCCACAGCTGCGTTCCTCTT-3'
Protein context (NP_001230208.1, residues 356-376): GMTEIGMALS[Gly366=]PLTTAVRLPG